The following is an entry in ClinVar:

NM_058216.3(RAD51C):c.966-2A>G

Gene: RAD51C (RAD51 paralog C; plus strand). Cytogenetic location: 17q22.
Variant type: single nucleotide variant.
Coding change: c.966-2A>G on transcript NM_058216.3 (MANE Select); the canonical splice acceptor site of the intron before coding-DNA position 966, A replaced by G.
Molecular consequence: splice acceptor variant.
Genome position (GRCh38, 1-based): chr17:58,732,482, A>G. VCF-style: chr17-58732482-A-G. GRCh37 (hg19) VCF-style: chr17-56809843-A-G.
Other names: c.966-2A>G (NM_058216.1).
Identifiers: ClinVar variation 859251 (VCV000859251.11), dbSNP rs1436204606, ClinGen allele CA400364821.
Genomic context (GRCh38, chr17:58,732,482, plus strand): 5'-TCTGAACTTTTAATTAATTAAGTTCATGTGTTTGTATGTATTTATTCTTTTTCTTTAAGC[A>G]GGTTGGCAACATTGTACAAGTCACCCAGCCAGAAGGAATGCACAGTACTGTTTCAAATCA-3'

ClinVar aggregate classification (germline): Uncertain significance. Review status: criteria provided, multiple submitters, no conflicts (2 of 4 stars). 2 submissions from 2 submitters: Uncertain significance (2). Last evaluated 2025-12-19.

Conditions:
Fanconi anemia complementation group O. Also called: RAD51C-Related Fanconi Anemia. Identifiers: Orphanet 84, MedGen C3150653, MONDO:0013248, OMIM 613390.
Hereditary cancer-predisposing syndrome. Also called: Hereditary Cancer Syndrome; Tumor predisposition; Neoplastic Syndromes, Hereditary; Hereditary neoplastic syndrome. Identifiers: Orphanet 140162, MedGen C0027672, MeSH D009386, MONDO:0015356.

Allele frequency attached by ClinVar (database versions not stated): TOPMed below 0.00001.

Submissions (2):

Ambry Genetics
Classification: Uncertain significance for Hereditary cancer-predisposing syndrome. Last evaluated: 2025-12-19. Review status: criteria provided, single submitter. Criteria: Ambry Variant Classification Scheme 2023. Collection method: clinical testing. Allele origin: germline.
Comment: The c.966-2A>G intronic variant results from an A to G substitution two nucleotides upstream from coding exon 8 in the RAD51C gene. This nucleotide position is highly conserved in available vertebrate species. In silico splice site analysis predicts that this alteration will weaken the native splice acceptor site; however, direct evidence is insufficient at this time (Ambry internal data). In an RNA mini gene assay, this variant resulted in the majority of transcripts with coding exon 8 skipping; however, they also detected a minor transcript leading to a protein with an in-frame insertion of 1 amino acid (Sanoguera-Miralles L et al. Cancers (Basel), 2020 Dec;12). Based on the available evidence, the clinical significance of this variant remains unclear.

Labcorp Genetics (formerly Invitae), Labcorp
Classification: Uncertain significance for Fanconi anemia complementation group O. Last evaluated: 2023-07-12. Review status: criteria provided, single submitter. Criteria: Invitae Variant Classification Sherloc (09022015). Collection method: clinical testing. Allele origin: germline.
Comment: In summary, the available evidence is currently insufficient to determine the role of this variant in disease. Therefore, it has been classified as a Variant of Uncertain Significance. Studies have shown that disruption of this splice site results in skipping of exon 8 and introduces a new termination codon (PMID: 33333735; Invitae). However the mRNA is not expected to undergo nonsense-mediated decay. This sequence change affects an acceptor splice site in intron 7 of the RAD51C gene. RNA analysis indicates that disruption of this splice site induces altered splicing and likely disrupts the C-terminus of the protein. This variant is not present in population databases (gnomAD no frequency). This variant has not been reported in the literature in individuals affected with RAD51C-related conditions. ClinVar contains an entry for this variant (Variation ID: 859251).

Literature cited by the submitters: PubMed 33333735 (cited by Ambry Genetics and Labcorp Genetics (formerly Invitae), Labcorp).